The following is an entry in ClinVar:

ClinVar aggregate classification (germline): Uncertain significance (1 of 4 stars; one submission).

Submission:

Institute for Human Genetics, University Hospital Essen
Classification: Uncertain significance. Last evaluated: 2025-11-27. Review status: criteria provided, single submitter. Criteria: Submitter's publication. Collection method: clinical testing. Allele origin: inherited. Inheritance: Autosomal unknown. Affected: yes. Observed: 1 variant allele, 1 compound heterozygote.
Comment: PM1, PM2_supp, PM3 (criteria rationale detailed in Leitão et al. Nature Genetics 2026)

NR_199791.1(RNU2-2):n.42G>A

Genes: RNU2-2 (RNA, U2 small nuclear 2; minus strand), WDR74 (WD repeat domain 74; minus strand). Cytogenetic location: 11q12.3.
Variant type: single nucleotide variant.
Molecular consequence: non-coding transcript variant (on NR_199791.1). On other transcripts: 5 prime UTR variant (1).
Genome position: GRCh38 VCF-style: chr11-62841768-C-T. GRCh37 (hg19) VCF-style: chr11-62609240-C-T.
Other names: c.-497G>A (NM_001369451.1).
Identifiers: ClinVar variation 4540477 (VCV004540477.1).